The following is an entry in ClinVar:

ClinVar aggregate classification (germline): Likely pathogenic (1 of 4 stars; one submission).

Conditions:
Hereditary spastic paraplegia 56. Also called: Spastic paraplegia 56, autosomal recessive; SPASTIC PARAPLEGIA 56, AUTOSOMAL RECESSIVE, WITH OR WITHOUT PSEUDOXANTHOMA ELASTICUM; Spastic Paraplegia 56. Identifiers: Orphanet 320411, MedGen C3539507, MONDO:0014015, OMIM 615030.

Submission:

Juno Genomics, Hangzhou Juno Genomics, Inc
Classification: Likely pathogenic for Hereditary spastic paraplegia 56. Review status: criteria provided, single submitter. Criteria: ACMG Guidelines, 2015. Collection method: clinical testing. Allele origin: germline. Affected: yes.
Comment: Absent from controls (or at extremely low frequency if recessive) in Genome Aggregation Database, Exome Sequencing Project, 1000 Genomes Project, or Exome Aggregation Consortium.;Null variant in a gene where loss of function (LOF) is a known mechanism of disease.

NM_183075.3(CYP2U1):c.898_899insCA (p.Lys300fs)

Gene: CYP2U1 (cytochrome P450 family 2 subfamily U member 1; plus strand). Cytogenetic location: 4q25.
Variant type: Insertion.
Coding change: c.898_899insCA on transcript NM_183075.3 (MANE Select); coding-DNA positions 898 to 899, CA inserted.
Protein change: p.Lys300fs; shifts the reading frame from lysine 300.
Molecular consequence: frameshift variant.
Genome position: GRCh38 VCF-style: chr4-107945376-A-AAC. GRCh37 (hg19) VCF-style: chr4-108866532-A-AAC.
Other names: short protein forms K300fs.
Identifiers: ClinVar variation 3392515 (VCV003392515.2).